The following is an entry in ClinVar:

ClinVar aggregate classification (germline): Uncertain significance. Review status: criteria provided, multiple submitters, no conflicts (2 of 4 stars). 2 submissions from 2 submitters: Uncertain significance (2). Last evaluated 2025-11-24.

Conditions:
Inborn genetic diseases. Identifiers: MedGen C0950123, MeSH D030342.

Allele frequency attached by ClinVar (database versions not stated): ExAC 0.00001; gnomAD 0.00001; TOPMed 0.00001; gnomAD exomes 0.00002.
gnomAD v4.1: 29 of 1,614,092 alleles (0.0018%); highest among the groups gnomAD compares: Middle Eastern, 0.016%; no homozygotes.

Submissions (2):

Ambry Genetics
Classification: Uncertain significance for Inborn genetic diseases. Last evaluated: 2025-11-24. Review status: criteria provided, single submitter. Criteria: Ambry Variant Classification Scheme 2023. Collection method: clinical testing. Allele origin: germline.

Labcorp Genetics (formerly Invitae), Labcorp
Classification: Uncertain significance. Last evaluated: 2022-02-09. Review status: criteria provided, single submitter. Criteria: Invitae Variant Classification Sherloc (09022015). Collection method: clinical testing. Allele origin: germline.
Comment: In summary, the available evidence is currently insufficient to determine the role of this variant in disease. Therefore, it has been classified as a Variant of Uncertain Significance. Algorithms developed to predict the effect of missense changes on protein structure and function (SIFT, PolyPhen-2, Align-GVGD) all suggest that this variant is likely to be tolerated. This variant has not been reported in the literature in individuals affected with REST-related conditions. This variant is present in population databases (rs771051680, gnomAD no frequency). This sequence change replaces glutamic acid, which is acidic and polar, with aspartic acid, which is acidic and polar, at codon 791 of the REST protein (p.Glu791Asp).

NM_005612.5(REST):c.2373G>C (p.Glu791Asp)

Gene: REST (RE1 silencing transcription factor; plus strand). Cytogenetic location: 4q12.
Variant type: single nucleotide variant.
Coding change: c.2373G>C on transcript NM_005612.5 (MANE Select); coding-DNA position 2373, G replaced by C.
Protein change: p.Glu791Asp; replaces glutamic acid 791 with aspartic acid.
Molecular consequence: missense variant.
Genome position (GRCh38, 1-based): chr4:56,931,231, G>C. VCF-style: chr4-56931231-G-C. GRCh37 (hg19) VCF-style: chr4-57797397-G-C.
Other names: c.2373G>C (NM_005612.4); c.2373G>C, p.Glu791Asp (NM_001193508.2, NM_001363453.3); short protein forms E791D.
Identifiers: ClinVar variation 2171396 (VCV002171396.5), dbSNP rs771051680, ClinGen allele CA2932470.